The following is an entry in ClinVar:

NM_000179.3(MSH6):c.1425_1426delinsAT (p.Lys476Ter)

Gene: MSH6 (mutS homolog 6; plus strand). Cytogenetic location: 2p16.3.
Variant type: Indel.
Coding change: c.1425_1426delinsAT on transcript NM_000179.3 (MANE Select); coding-DNA positions 1425 to 1426, GA replaced by AT.
Protein change: p.Lys476Ter; replaces lysine 476 with a stop codon.
Molecular consequence: nonsense. On other transcripts: non-coding transcript variant (4), intron variant (1).
Genome position (GRCh38, 1-based): chr2:47,799,408-47,799,409, GA replaced by AT. VCF-style: chr2-47799408-GA-AT. GRCh37 (hg19) VCF-style: chr2-48026547-GA-AT.
Other names: c.1035_1036delinsAT, p.Lys346Ter (NM_001281492.2); c.519_520delinsAT, p.Lys174Ter (NM_001281493.2, NM_001281494.2, NM_001406811.1 and 6 more transcripts); c.1521_1522delinsAT, p.Lys508Ter (NM_001406795.1, NM_001406802.1); c.1425_1426delinsAT, p.Lys476Ter (NM_001406796.1, NM_001406798.1, NM_001406800.1 and 4 more transcripts); c.1128_1129delinsAT, p.Lys377Ter (NM_001406797.1, NM_001406801.1, NM_001406805.1 and 10 more transcripts); c.900_901delinsAT, p.Lys301Ter (NM_001406799.1, NM_001406806.1, NM_001406807.1); c.1347_1348delinsAT, p.Lys450Ter (NM_001406804.1); c.1431_1432delinsAT, p.Lys478Ter (NM_001406813.1); and 2 more; short protein forms K346*, K377*, K301*, K420*, K450*, K476*, K478*, K508*.
Identifiers: ClinVar variation 4723256 (VCV004723256.1).
Genomic context (GRCh38, chr2:47,799,408, plus strand): 5'-CTGGGCCCATTCTGGCTTTCCTGAAATTGCATTTGGCCGTTATTCAGATTCCCTGGTGCA[GA>AT]AGGGCTATAAAGTAGCACGAGTGGAACAGACTGAGACTCCAGAAATGATGGAGGCACGAT-3'

ClinVar aggregate classification (germline): Pathogenic (1 of 4 stars; one submission).

Conditions:
Hereditary nonpolyposis colorectal neoplasms. Identifiers: MedGen C0009405, MeSH D003123.

Submission:

Labcorp Genetics (formerly Invitae), Labcorp
Classification: Pathogenic for Hereditary nonpolyposis colorectal neoplasms. Last evaluated: 2025-07-15. Review status: criteria provided, single submitter. Criteria: Invitae Variant Classification Sherloc (09022015). Collection method: clinical testing. Allele origin: germline.
Comment: This sequence change creates a premature translational stop signal (p.Lys476*) in the MSH6 gene. It is expected to result in an absent or disrupted protein product. Loss-of-function variants in MSH6 are known to be pathogenic (PMID: 18269114, 24362816). Information on the frequency of this variant in the gnomAD database is not available, as this variant may be reported differently in the database. This variant has not been reported in the literature in individuals affected with MSH6-related conditions. For these reasons, this variant has been classified as Pathogenic.

Literature cited by the submitters: PubMed 18269114; PubMed 24362816.